The following is an entry in ClinVar:

NM_182895.5(SCARF2):c.1490T>C (p.Met497Thr)

Gene: SCARF2 (scavenger receptor class F member 2; minus strand). Cytogenetic location: 22q11.21.
Variant type: single nucleotide variant.
Coding change: c.1490T>C on transcript NM_182895.5 (MANE Select); coding-DNA position 1490, T replaced by C.
Protein change: p.Met497Thr; replaces methionine 497 with threonine.
Molecular consequence: missense variant.
Genome position (GRCh38, 1-based): chr22:20,429,275, A>G on the plus strand (T>C on the coding strand, the complement: SCARF2 is on the minus strand). VCF-style: chr22-20429275-A-G. GRCh37 (hg19) VCF-style: chr22-20783562-A-G.
Other names: c.1505T>C, p.Met502Thr (NM_153334.7); short protein forms M497T, M502T.
Identifiers: ClinVar variation 4864082 (VCV004864082.1).
Genomic context (GRCh38, chr22:20,429,275, plus strand): 5'-TCATCCTTACCTACGACTTTGGGTAGTTTCTGCCTCCGGAGCGGGATCCGGGGCAGCTTC[A>G]TGCTGATGCGACTGAAGCGCCCGCATAGTCGGTGCGGCGCCTTCTTCCTCCCAAGCGAAA-3'
Protein context (NP_878315.2, residues 487-507): RLCGRFSRIS[Met497Thr]KLPRIPLRRQ

ClinVar aggregate classification (germline): Uncertain significance (1 of 4 stars; one submission).

Conditions:
Inborn genetic diseases. Identifiers: MedGen C0950123, MeSH D030342.

gnomAD v4.1: 13 of 1,609,414 alleles (0.00081%); highest among the groups gnomAD compares: Admixed American, 0.015%; no homozygotes.

Submission:

Ambry Genetics
Classification: Uncertain significance for Inborn genetic diseases. Last evaluated: 2026-05-19. Review status: criteria provided, single submitter. Criteria: Ambry Variant Classification Scheme 2023. Collection method: clinical testing. Allele origin: germline.
Comment: The c.1505T>C (p.M502T) alteration is located in exon 9 (coding exon 9) of the SCARF2 gene. This alteration results from a T to C substitution at nucleotide position 1505, causing the methionine (M) at amino acid position 502 to be replaced by a threonine (T). Based on data from gnomAD, the C allele has an overall frequency of 0.002% (5/251026) total alleles studied. The highest observed frequency was 0.016% (1/6124) of Other alleles. Based on insufficient or conflicting evidence, the clinical significance of this alteration remains unclear.